The following is an entry in ClinVar:

NM_014045.5(LRP10):c.576C>T (p.Cys192=)

Gene: LRP10 (LDL receptor related protein 10; plus strand). Cytogenetic location: 14q11.2.
Variant type: single nucleotide variant.
Coding change: c.576C>T on transcript NM_014045.5 (MANE Select); coding-DNA position 576, C replaced by T.
Protein change: p.Cys192=; no amino-acid change (cysteine 192 retained).
Molecular consequence: synonymous variant.
Genome position (GRCh38, 1-based): chr14:22,875,524, C>T. VCF-style: chr14-22875524-C-T. GRCh37 (hg19) VCF-style: chr14-23344733-C-T.
Other names: c.576C>T, p.Cys192= (NM_001329226.2).
Identifiers: ClinVar variation 4981744 (VCV004981744.1).

ClinVar aggregate classification (germline): Likely benign (1 of 4 stars; one submission).

Conditions:
LRP10-related disorder. Also called: LRP10-related condition.

gnomAD v4.1: 82 of 1,614,048 alleles (0.0051%); highest among the groups gnomAD compares: Admixed American, 0.017%; no homozygotes.

Submission:

PreventionGenetics, part of Exact Sciences
Classification: Likely benign for LRP10-related condition. Last evaluated: 2025-01-21. Review status: criteria provided, single submitter. Criteria: ACMG Guidelines, 2015. Collection method: clinical testing. Allele origin: germline.
Comment: This variant is classified as likely benign based on ACMG/AMP sequence variant interpretation guidelines (Richards et al. 2015 PMID: 25741868, with internal and published modifications).